The following is an entry in ClinVar:

ClinVar aggregate classification (germline): Pathogenic. Review status: criteria provided, multiple submitters, no conflicts (2 of 4 stars). 2 submissions from 2 submitters: Pathogenic (2). Last evaluated 2023-01-19.

Conditions:
Creatine transporter deficiency (CCDS1). Also called: CEREBRAL CREATINE DEFICIENCY SYNDROME 1; Creatine Transporter (CRTR) Deficiency; Mental retardation , X-linked with seizures, short stature and midface hypoplasia; Mental retardation , X-linked, with creatine transport deficiency; X-linked creatine transporter deficiency; X-linked creatine deficiency syndrome. Identifiers: Orphanet 52503, MedGen C1845862, MONDO:0010305, OMIM 300352.
SLC6A8-related disorder. Also called: SLC6A8-related condition.

Submissions (2):

Labcorp Genetics (formerly Invitae), Labcorp
Classification: Pathogenic for Creatine transporter deficiency. Last evaluated: 2023-01-19. Review status: criteria provided, single submitter. Criteria: Invitae Variant Classification Sherloc (09022015). Collection method: clinical testing. Allele origin: germline.
Comment: This sequence change creates a premature translational stop signal (p.Trp496*) in the SLC6A8 gene. It is expected to result in an absent or disrupted protein product. Loss-of-function variants in SLC6A8 are known to be pathogenic (PMID: 22281021). This variant is not present in population databases (gnomAD no frequency). This variant has not been reported in the literature in individuals affected with SLC6A8-related conditions. For these reasons, this variant has been classified as Pathogenic.

Blueprint Genetics
Classification: Pathogenic for SLC6A8-related disorders. Last evaluated: 2021-12-03. Review status: criteria provided, single submitter. Criteria: ACMG Guidelines, 2015. Collection method: clinical testing. Allele origin: germline. Affected: yes. Observed: 1 variant allele.

Literature cited by the submitters: PubMed 22281021 (cited by Labcorp Genetics (formerly Invitae), Labcorp).

NM_005629.4(SLC6A8):c.1487G>A (p.Trp496Ter)

Gene: SLC6A8 (solute carrier family 6 member 8; plus strand). Cytogenetic location: Xq28.
Variant type: single nucleotide variant.
Coding change: c.1487G>A on transcript NM_005629.4 (MANE Select); coding-DNA position 1487, G replaced by A.
Protein change: p.Trp496Ter; replaces tryptophan 496 with a stop codon.
Molecular consequence: nonsense.
Genome position (GRCh38, 1-based): chrX:153,694,438, G>A. VCF-style: chrX-153694438-G-A. GRCh37 (hg19) VCF-style: chrX-152959893-G-A.
Other names: c.1457G>A, p.Trp486Ter (NM_001142805.2); c.1142G>A, p.Trp381Ter (NM_001142806.1); short protein forms W496*, W381*, W486*.
Identifiers: ClinVar variation 2830031 (VCV002830031.4), dbSNP rs2522167692, ClinGen allele CA415087896.
Genomic context (GRCh38, chrX:153,694,438, plus strand): 5'-ACTCGGCCAGCGGCACCACCCTGCTCTGGCAGGCCTTTTGGGAGTGCGTGGTGGTGGCCT[G>A]GGTGTACGGTAGGTCATGGCTGAGGGCTGGGCTGGGGGATGGTGGCGGGGAAGGCAGGTC-3'